The following is an entry in ClinVar:

ClinVar aggregate classification (germline): Likely pathogenic (1 of 4 stars; one submission).

Conditions:
DIP2C-related neurodevelopmental disorder.

Submission:

Clinical Genomics Laboratory, Washington University in St. Louis
Classification: Likely pathogenic for DIP2C-related neurodevelopmental disorder. Last evaluated: 2025-08-15. Review status: criteria provided, single submitter. Criteria: ACMG Guidelines, 2015. Collection method: clinical testing. Allele origin: germline. Affected: yes.
Comment: The DIP2C c.1756+1dup variant, to our knowledge, has not been reported in the medical literature and is absent from the general population (gnomAD v.4.1.0), indicating it is not a common variant. This variant occurs within the canonical splice donor site, which is predicted to cause skipping of the exon, resulting in an out-of-frame transcript. Other splicing variants have been reported in this gene in affected individuals and are considered pathogenic (Ha T et al., PMID: 38421105). Based on available information and the ACMG/AMP guidelines for variant interpretation (Richards S et al., PMID: 25741868), this variant is classified as likely pathogenic.

NM_014974.3(DIP2C):c.1756+1dup

Gene: DIP2C (disco interacting protein 2 homolog C; minus strand). Cytogenetic location: 10p15.3.
Variant type: Duplication.
Coding change: c.1756+1dup on transcript NM_014974.3 (MANE Select); the canonical splice donor site of the intron after coding-DNA position 1756, one base duplicated (G; older notation c.1756+1dupG).
Molecular consequence: splice donor variant.
Genome position (GRCh38, 1-based): chr10:384,545, C duplicated on the plus strand (G on the coding strand, the reverse complement: DIP2C is on the minus strand); the first of 2 consecutive C bases (chr10:384,545-384,546); duplicating either gives the same sequence. VCF-style (leftmost placement, unchanged base first): chr10-384544-A-AC. GRCh37 (hg19) VCF-style: chr10-430484-A-AC.
Identifiers: ClinVar variation 4279917 (VCV004279917.1).
Genomic context (GRCh38, chr10:384,544, plus strand): 5'-TGCTTTGGCCTCCTAAAGCGCTGGGATTACAGGTGTGAGCCACTGCGCCCGGCGAGACCC[A>AC]CCTTTGTACTGGCAGACCTTCTGGATCCAGGAGAGAGGGTTCACCTTCATCAGCGAGTAC-3'